The following is an entry in ClinVar:

NM_001206927.2(DNAH8):c.11035G>A (p.Ala3679Thr)

Genes: DNAH8 (dynein axonemal heavy chain 8; plus strand), DNAH8-AS1 (DNAH8 antisense RNA 1; minus strand). Cytogenetic location: 6p21.2.
Variant type: single nucleotide variant.
Coding change: c.11035G>A on transcript NM_001206927.2 (MANE Select); coding-DNA position 11035, G replaced by A.
Protein change: p.Ala3679Thr; replaces alanine 3679 with threonine.
Molecular consequence: missense variant.
Genome position (GRCh38, 1-based): chr6:38,926,127, G>A. VCF-style: chr6-38926127-G-A. GRCh37 (hg19) VCF-style: chr6-38893903-G-A.
Other names: c.10384G>A, p.Ala3462Thr (NM_001371.4); short protein forms A3679T, A3462T.
Identifiers: ClinVar variation 572151 (VCV000572151.10), dbSNP rs1035761681, ClinGen allele CA137585562.
Genomic context (GRCh38, chr6:38,926,127, plus strand): 5'-GGGCTACAGGGATTACCAGGAGATGATCTCTCAATTCAGAATGGCATTATTGTGACAAAG[G>A]CCACCAGATACCCACTCCTCATAGACCCACAAACTCAAGGCAAAACTTGGATTAAATCAA-3'
Protein context (NP_001193856.1, residues 3669-3689): SIQNGIIVTK[Ala3679Thr]TRYPLLIDPQ

ClinVar aggregate classification (germline): Uncertain significance. Review status: criteria provided, multiple submitters, no conflicts (2 of 4 stars). 2 submissions from 2 submitters: Uncertain significance (2). Last evaluated 2023-09-25.

Conditions:
Primary ciliary dyskinesia. Also called: Ciliary dyskinesia. Identifiers: Orphanet 244, MedGen C0008780, MONDO:0016575, HP:0012265.

Allele frequency attached by ClinVar (database versions not stated): TOPMed below 0.00001; gnomAD exomes 0.00001.
gnomAD v4.1: 7 of 1,613,668 alleles (0.00043%); highest among the groups gnomAD compares: Admixed American, 0.0017%; no homozygotes.

Submissions (2):

Ambry Genetics
Classification: Uncertain significance. Last evaluated: 2023-09-25. Review status: criteria provided, single submitter. Criteria: Ambry Variant Classification Scheme 2023. Collection method: clinical testing. Allele origin: germline.

Labcorp Genetics (formerly Invitae), Labcorp
Classification: Uncertain significance for Primary ciliary dyskinesia. Last evaluated: 2018-06-07. Review status: criteria provided, single submitter. Criteria: Invitae Variant Classification Sherloc (09022015). Collection method: clinical testing. Allele origin: germline.
Comment: This sequence change replaces alanine with threonine at codon 3679 of the DNAH8 protein (p.Ala3679Thr). The alanine residue is highly conserved and there is a small physicochemical difference between alanine and threonine. In summary, the available evidence is currently insufficient to determine the role of this variant in disease. Therefore, it has been classified as a Variant of Uncertain Significance. Algorithms developed to predict the effect of missense changes on protein structure and function (SIFT, PolyPhen-2, Align-GVGD) all suggest that this variant is likely to be disruptive, but these predictions have not been confirmed by published functional studies and their clinical significance is uncertain. This variant has not been reported in the literature in individuals with DNAH8-related disease. This variant is not present in population databases (ExAC no frequency).